The following is an entry in ClinVar:

ClinVar aggregate classification (germline): Uncertain significance (1 of 4 stars; one submission).

Conditions:
Hereditary cancer-predisposing syndrome. Also called: Hereditary Cancer Syndrome; Neoplastic Syndromes, Hereditary; Tumor predisposition; Hereditary neoplastic syndrome. Identifiers: Orphanet 140162, MedGen C0027672, MeSH D009386, MONDO:0015356.

Submission:

Ambry Genetics
Classification: Uncertain significance for Hereditary cancer-predisposing syndrome. Last evaluated: 2026-07-06. Review status: criteria provided, single submitter. Criteria: Ambry Variant Classification Scheme 2023. Collection method: clinical testing. Allele origin: germline.
Comment: The p.P811S variant (also known as c.2431C>T), located in coding exon 14 of the DICER1 gene, results from a C to T substitution at nucleotide position 2431. The proline at codon 811 is replaced by serine, an amino acid with similar properties. This amino acid position is conserved. In addition, this alteration is predicted to be deleterious by in silico analysis. Based on the available evidence, the clinical significance of this variant remains unclear.

NM_177438.3(DICER1):c.2431C>T (p.Pro811Ser)

Gene: DICER1 (dicer 1, ribonuclease III; minus strand). Cytogenetic location: 14q32.13.
Variant type: single nucleotide variant.
Coding change: c.2431C>T on transcript NM_177438.3 (MANE Select); coding-DNA position 2431, C replaced by T.
Protein change: p.Pro811Ser; replaces proline 811 with serine.
Molecular consequence: missense variant. On other transcripts: non-coding transcript variant (6).
Genome position (GRCh38, 1-based): chr14:95,108,329, G>A on the plus strand (C>T on the coding strand, the complement: DICER1 is on the minus strand). VCF-style: chr14-95108329-G-A. GRCh37 (hg19) VCF-style: chr14-95574666-G-A.
Other names: c.2431C>T, p.Pro811Ser (NM_001195573.1, NM_001271282.3, NM_001291628.2 and 12 more transcripts); c.2149C>T, p.Pro717Ser (NM_001395686.1); c.2026C>T, p.Pro676Ser (NM_001395687.1, NM_001395688.1, NM_001395689.1 and 2 more transcripts); c.1864C>T, p.Pro622Ser (NM_001395691.1); c.748C>T, p.Pro250Ser (NM_001395697.1); short protein forms P622S, P250S, P811S, P676S, P717S.
Identifiers: ClinVar variation 5035226 (VCV005035226.1).